The following is an entry in ClinVar:

ClinVar aggregate classification (germline): Conflicting classifications of pathogenicity. Review status: criteria provided, conflicting classifications (1 of 4 stars). 2 submissions from 2 submitters: Likely pathogenic (1); Uncertain significance (1). Last evaluated 2025-09-11.

Conditions:
Renal carnitine transport defect (CDSP). Also called: Systemic primary carnitine deficiency disease; Primary carnitine deficiency; CARNITINE DEFICIENCY, SYSTEMIC, DUE TO DEFECT IN RENAL REABSORPTION OF CARNITINE; CARNITINE TRANSPORTER, PLASMA-MEMBRANE, DEFICIENCY OF; CARNITINE UPTAKE DEFECT; Carnitine Deficiency, Systemic. Identifiers: Orphanet 158, MedGen C0342788, MONDO:0008919, OMIM 212140.
Carnitine deficiency. Identifiers: MedGen C1142132.

gnomAD v4.1: 7 of 1,613,944 alleles (0.00043%); highest among the groups gnomAD compares: South Asian, 0.0077%; no homozygotes.

Submissions (2):

Natera, Inc.
Classification: Likely pathogenic for Carnitine deficiency. Last evaluated: 2025-09-11. Review status: criteria provided, single submitter. Criteria: Natera Variant Classification Schema (03/2026). Collection method: clinical testing. Allele origin: germline.
Comment: The c.1363C>A variant in SLC22A5 is a missense variant predicted to cause substitution of proline to threonine at amino acid 455. This variant is rare in the general population with a frequency below the threshold expected for the associated phenotype(s). This variant has been observed in one or more individuals affected with the associated recessive disease, as either homozygous or compound heterozygous with a second variant (PMID: 28771436). A different variant at the same position has been determined to be Pathogenic or Likely Pathogenic. Computational prediction algorithms indicate this variant is likely to affect gene or protein function. Given the available evidence, this variant is classified as Likely Pathogenic.

Labcorp Genetics (formerly Invitae), Labcorp
Classification: Uncertain significance for Renal carnitine transport defect. Last evaluated: 2021-09-17. Review status: criteria provided, single submitter. Criteria: Invitae Variant Classification Sherloc (09022015). Collection method: clinical testing. Allele origin: germline.
Comment: This sequence change replaces proline with threonine at codon 455 of the SLC22A5 protein (p.Pro455Thr). The proline residue is highly conserved and there is a small physicochemical difference between proline and threonine. This variant is not present in population databases (ExAC no frequency). This variant has not been reported in the literature in individuals affected with SLC22A5-related conditions. Advanced modeling of protein sequence and biophysical properties (such as structural, functional, and spatial information, amino acid conservation, physicochemical variation, residue mobility, and thermodynamic stability) performed at Invitae indicates that this missense variant is expected to disrupt SLC22A5 protein function. In summary, the available evidence is currently insufficient to determine the role of this variant in disease. Therefore, it has been classified as a Variant of Uncertain Significance.

Literature cited by the submitters: PubMed 28771436 (cited by Natera, Inc.).

NM_003060.4(SLC22A5):c.1363C>A (p.Pro455Thr)

Gene: SLC22A5 (solute carrier family 22 member 5; plus strand). Cytogenetic location: 5q31.1.
Variant type: single nucleotide variant.
Coding change: c.1363C>A on transcript NM_003060.4 (MANE Select); coding-DNA position 1363, C replaced by A.
Protein change: p.Pro455Thr; replaces proline 455 with threonine.
Molecular consequence: missense variant.
Genome position (GRCh38, 1-based): chr5:132,392,528, C>A. VCF-style: chr5-132392528-C-A. GRCh37 (hg19) VCF-style: chr5-131728220-C-A.
Other names: c.1435C>A, p.Pro479Thr (NM_001308122.2); c.1363C>A (NM_003060.3); short protein forms P479T, P455T.
Identifiers: ClinVar variation 1391974 (VCV001391974.6), dbSNP rs1326829327, ClinGen allele CA360808898.
Genomic context (GRCh38, chr5:132,392,528, plus strand): 5'-GGCAAGTTTGGAGTCACGGCTGCCTTTTCCATGGTCTACGTGTACACAGCCGAGCTGTAT[C>A]CCACAGTGGTGAGAAACATGGGTGTGGGAGTCAGCTCCACAGCATCCCGCCTGGGCAGCA-3'
Protein context (NP_003051.1, residues 445-465): MVYVYTAELY[Pro455Thr]TVVRNMGVGV